The following is an entry in ClinVar:

NM_002661.5(PLCG2):c.1899C>G (p.Asp633Glu)

Gene: PLCG2 (phospholipase C gamma 2; plus strand). Cytogenetic location: 16q23.3.
Variant type: single nucleotide variant.
Coding change: c.1899C>G on transcript NM_002661.5 (MANE Select); coding-DNA position 1899, C replaced by G.
Protein change: p.Asp633Glu; replaces aspartic acid 633 with glutamic acid.
Molecular consequence: missense variant.
Genome position (GRCh38, 1-based): chr16:81,910,685, C>G. VCF-style: chr16-81910685-C-G. GRCh37 (hg19) VCF-style: chr16-81944290-C-G.
Other names: short protein forms D633E.
Identifiers: ClinVar variation 1513299 (VCV001513299.8), dbSNP rs1305847899, ClinGen allele CA396901116.

ClinVar aggregate classification (germline): Uncertain significance (1 of 4 stars; one submission).

Conditions:
Familial cold autoinflammatory syndrome 3 (FCAS3). Also called: FAMILIAL ATYPICAL COLD URTICARIA; ANTIBODY DEFICIENCY AND IMMUNE DYSREGULATION, PLCG2-ASSOCIATED. Identifiers: Orphanet 300359, MedGen C3280914, MONDO:0013766, OMIM 614468.

gnomAD v4.1: 1 of 1,612,284 alleles (0.000062%); highest among the groups gnomAD compares: Middle Eastern, 0.016%; no homozygotes.

Submission:

Labcorp Genetics (formerly Invitae), Labcorp
Classification: Uncertain significance for Familial cold autoinflammatory syndrome 3. Last evaluated: 2025-12-17. Review status: criteria provided, single submitter. Criteria: Invitae Variant Classification Sherloc (09022015). Collection method: clinical testing. Allele origin: germline.
Comment: This sequence change replaces aspartic acid, which is acidic and polar, with glutamic acid, which is acidic and polar, at codon 633 of the PLCG2 protein (p.Asp633Glu). This variant is not present in population databases (gnomAD no frequency). This variant has not been reported in the literature in individuals affected with PLCG2-related conditions. ClinVar contains an entry for this variant (Variation ID: 1513299). An algorithm developed to predict the effect of missense changes on protein structure and function (PolyPhen-2) suggests that this variant is likely to be tolerated. In summary, the available evidence is currently insufficient to determine the role of this variant in disease. Therefore, it has been classified as a Variant of Uncertain Significance.